The following is an entry in ClinVar:

ClinVar aggregate classification (germline): Uncertain significance. Review status: criteria provided, multiple submitters, no conflicts (2 of 4 stars). 2 submissions from 2 submitters: Uncertain significance (2). Last evaluated 2022-08-23.

Allele frequency attached by ClinVar (database versions not stated): gnomAD exomes below 0.00001.

Submissions (2):

GeneDx
Classification: Uncertain significance. Last evaluated: 2022-08-23. Review status: criteria provided, single submitter. Criteria: GeneDx Variant Classification Process June 2021. Collection method: clinical testing. Allele origin: germline. Affected: yes.
Comment: Not observed at significant frequency in large population cohorts (gnomAD); In silico analysis supports that this missense variant has a deleterious effect on protein structure/function; Has not been previously published as pathogenic or benign to our knowledge

Blueprint Genetics
Classification: Uncertain significance. Last evaluated: 2019-05-24. Review status: criteria provided, single submitter. Criteria: ACMG Guidelines, 2015. Collection method: clinical testing. Allele origin: germline.

NM_000287.4(PEX6):c.2236C>T (p.Pro746Ser)

Gene: PEX6 (peroxisomal biogenesis factor 6; minus strand). Cytogenetic location: 6p21.1.
Variant type: single nucleotide variant.
Coding change: c.2236C>T on transcript NM_000287.4 (MANE Select); coding-DNA position 2236, C replaced by T.
Protein change: p.Pro746Ser; replaces proline 746 with serine.
Molecular consequence: missense variant.
Genome position (GRCh38, 1-based): chr6:42,966,306, G>A on the plus strand (C>T on the coding strand, the complement: PEX6 is on the minus strand). VCF-style: chr6-42966306-G-A. GRCh37 (hg19) VCF-style: chr6-42934044-G-A.
Other names: c.1972C>T, p.Pro658Ser (NM_001316313.2); short protein forms P658S, P746S.
Identifiers: ClinVar variation 2430659 (VCV002430659.2), dbSNP rs1203501462, ClinGen allele CA364152231.